The following is an entry in ClinVar:

NM_016507.4(CDK12):c.1810C>G (p.Pro604Ala)

Gene: CDK12 (cyclin dependent kinase 12; plus strand). Cytogenetic location: 17q12.
Variant type: single nucleotide variant.
Coding change: c.1810C>G on transcript NM_016507.4 (MANE Select); coding-DNA position 1810, C replaced by G.
Protein change: p.Pro604Ala; replaces proline 604 with alanine.
Molecular consequence: missense variant.
Genome position (GRCh38, 1-based): chr17:39,471,642, C>G. VCF-style: chr17-39471642-C-G. GRCh37 (hg19) VCF-style: chr17-37627895-C-G.
Other names: c.1810C>G, p.Pro604Ala (NM_015083.4); short protein forms P604A.
Identifiers: ClinVar variation 3489285 (VCV003489285.1).

ClinVar aggregate classification (germline): Uncertain significance (1 of 4 stars; one submission).

gnomAD v4.1: 31 of 1,614,120 alleles (0.0019%); highest among the groups gnomAD compares: South Asian, 0.0066%; no homozygotes.

Submission:

Ambry Genetics
Classification: Uncertain significance. Last evaluated: 2024-11-25. Review status: criteria provided, single submitter. Criteria: Ambry Variant Classification Scheme 2023. Collection method: clinical testing. Allele origin: germline.
Comment: The p.P604A variant (also known as c.1810C>G), located in coding exon 2 of the CDK12 gene, results from a C to G substitution at nucleotide position 1810. The proline at codon 604 is replaced by alanine, an amino acid with highly similar properties. This amino acid position is conserved. In addition, this alteration is predicted to be tolerated by in silico analysis. Based on the available evidence, the clinical significance of this variant remains unclear.